The following is an entry in ClinVar:

ClinVar aggregate classification (germline): Uncertain significance (1 of 4 stars; one submission).

gnomAD v4.1: 2 of 1,614,132 alleles (0.00012%); highest among the groups gnomAD compares: Non-Finnish European, 0.00017%; no homozygotes.

Submission:

Labcorp Genetics (formerly Invitae), Labcorp
Classification: Uncertain significance. Last evaluated: 2025-09-21. Review status: criteria provided, single submitter. Criteria: Invitae Variant Classification Sherloc (09022015). Collection method: clinical testing. Allele origin: germline.
Comment: This sequence change replaces leucine, which is neutral and non-polar, with valine, which is neutral and non-polar, at codon 1296 of the ERBIN protein (p.Leu1296Val). This variant is not present in population databases (gnomAD no frequency). This variant has not been reported in the literature in individuals affected with ERBIN-related conditions. An algorithm developed to predict the effect of missense changes on protein structure and function (PolyPhen-2) suggests that this variant is likely to be disruptive. In summary, the available evidence is currently insufficient to determine the role of this variant in disease. Therefore, it has been classified as a Variant of Uncertain Significance.

NM_001253697.2(ERBIN):c.3886C>G (p.Leu1296Val)

Gene: ERBIN (erbb2 interacting protein; plus strand). Cytogenetic location: 5q12.3.
Variant type: single nucleotide variant.
Coding change: c.3886C>G on transcript NM_001253697.2 (MANE Select); coding-DNA position 3886, C replaced by G.
Protein change: p.Leu1296Val; replaces leucine 1296 with valine.
Molecular consequence: missense variant. On other transcripts: intron variant (1).
Genome position (GRCh38, 1-based): chr5:66,075,153, C>G. VCF-style: chr5-66075153-C-G. GRCh37 (hg19) VCF-style: chr5-65370981-C-G.
Other names: c.3763C>G, p.Leu1255Val (NM_001253698.2, NM_018695.4); c.3907C>G, p.Leu1303Val (NM_001253699.2); c.3751C>G, p.Leu1251Val (NM_001253701.2); c.3634-1163C>G (NM_001006600.3); short protein forms L1251V, L1255V, L1296V, L1303V.
Identifiers: ClinVar variation 4811147 (VCV004811147.1).